The following is an entry in ClinVar:

NM_001261826.3(AP3D1):c.2367C>T (p.Asp789=)

Gene: AP3D1 (adaptor related protein complex 3 subunit delta 1; minus strand). Cytogenetic location: 19p13.3.
Variant type: single nucleotide variant.
Coding change: c.2367C>T on transcript NM_001261826.3 (MANE Select); coding-DNA position 2367, C replaced by T.
Protein change: p.Asp789=; no amino-acid change (aspartic acid 789 retained).
Molecular consequence: synonymous variant.
Genome position (GRCh38, 1-based): chr19:2,114,804, G>A on the plus strand (C>T on the coding strand, the complement: AP3D1 is on the minus strand). VCF-style: chr19-2114804-G-A. GRCh37 (hg19) VCF-style: chr19-2114803-G-A.
Other names: c.2367C>T, p.Asp789= (NM_001374799.1, NM_003938.8); c.2367C>T (NM_001261826.1).
Identifiers: ClinVar variation 1594443 (VCV001594443.11), dbSNP rs567035565, ClinGen allele CA9058889.
Genomic context (GRCh38, chr19:2,114,804, plus strand): 5'-TCACTTATCCAGGTCAATATCCAGAGCCCTGTAGGGGTCGTTGGGGTCTTTGTCATCCTC[G>A]TCGCTGGGCAGAGCATTCTGACAGGAAGAGAGGAACCCCATCACTGGAACCCGCCCTTGT-3'
Protein context (NP_001248755.1, residues 779-799): EEMPENALPS[Asp789=]EDDKDPNDPY

ClinVar aggregate classification (germline): Likely benign. Review status: criteria provided, single submitter (1 of 4 stars). 2 submissions from 2 submitters: Likely benign (1). 1 of the submissions does not count toward it. Last evaluated 2025-11-10.

Conditions:
AP3D1-related disorder. Also called: AP3D1-related condition.

Allele frequency attached by ClinVar (database versions not stated): TOPMed 0.00002; gnomAD 0.00004 and 0.00006; gnomAD exomes 0.00007 and 0.00009; ExAC 0.00015; 1000 Genomes Project 30x 0.00016; 1000 Genomes Project 0.00020.
gnomAD v4.1: 104 of 1,614,054 alleles (0.0064%); highest among the groups gnomAD compares: Non-Finnish European, 0.0082%; 1 homozygote.

Submissions (2):

Labcorp Genetics (formerly Invitae), Labcorp
Classification: Likely benign. Last evaluated: 2025-11-10. Review status: criteria provided, single submitter. Criteria: Invitae Variant Classification Sherloc (09022015). Collection method: clinical testing. Allele origin: germline.

PreventionGenetics, part of Exact Sciences
Classification: Likely benign for AP3D1-related condition. Last evaluated: 2019-06-12. Review status: no assertion criteria provided. Collection method: clinical testing. Allele origin: germline. Not counted in ClinVar's aggregate classification.
Comment: This variant is classified as likely benign based on ACMG/AMP sequence variant interpretation guidelines (Richards et al. 2015 PMID: 25741868, with internal and published modifications).